The following is an entry in ClinVar:

ClinVar aggregate classification (germline): Uncertain significance (1 of 4 stars; one submission).

Conditions:
MYO5B-related disorder. Also called: MYO5B-related condition.

gnomAD v4.1: 6 of 1,613,916 alleles (0.00037%); highest among the groups gnomAD compares: African/African-American, 0.0053%; no homozygotes.

Submission:

PreventionGenetics, part of Exact Sciences
Classification: Uncertain significance for MYO5B-related condition. Last evaluated: 2026-02-22. Review status: criteria provided, single submitter. Criteria: ACMG Guidelines, 2015. Collection method: clinical testing. Allele origin: germline.
Comment: The MYO5B c.895G>A variant is predicted to result in the amino acid substitution p.Val299Met. To our knowledge, this variant has not been reported in the literature. This variant is reported in 0.012% of alleles in individuals of African descent in gnomAD. At this time, the clinical significance of this variant is uncertain due to the absence of conclusive functional and genetic evidence.

NM_001080467.3(MYO5B):c.895G>A (p.Val299Met)

Gene: MYO5B (myosin VB; minus strand). Cytogenetic location: 18q21.1.
Variant type: single nucleotide variant.
Coding change: c.895G>A on transcript NM_001080467.3 (MANE Select); coding-DNA position 895, G replaced by A.
Protein change: p.Val299Met; replaces valine 299 with methionine.
Molecular consequence: missense variant.
Genome position (GRCh38, 1-based): chr18:49,984,769, C>T on the plus strand (G>A on the coding strand, the complement: MYO5B is on the minus strand). VCF-style: chr18-49984769-C-T. GRCh37 (hg19) VCF-style: chr18-47511139-C-T.
Other names: short protein forms V299M.
Identifiers: ClinVar variation 5000414 (VCV005000414.1).